The following is an entry in ClinVar:

ClinVar aggregate classification (germline): Uncertain significance (1 of 4 stars; one submission).

Conditions:
Retinitis pigmentosa 20 (RP20). Identifiers: Orphanet 791, MedGen C3151086, MONDO:0013425, OMIM 613794.
Leber congenital amaurosis 2 (LCA2). Also called: AMAUROSIS CONGENITA OF LEBER II; Autosomal Recessive RPE65-Related Retinal Degeneration. Identifiers: Orphanet 65, MedGen C1859844, MONDO:0008765, OMIM 204100. Disease mechanism: loss of function.

Submission:

Labcorp Genetics (formerly Invitae), Labcorp
Classification: Uncertain significance for Leber congenital amaurosis 2; Retinitis pigmentosa 20. Last evaluated: 2021-07-30. Review status: criteria provided, single submitter. Criteria: Invitae Variant Classification Sherloc (09022015). Collection method: clinical testing. Allele origin: germline.
Comment: This variant has not been reported in the literature in individuals affected with RPE65-related conditions. This variant is not present in population databases (ExAC no frequency). This variant, c.72_73insAGGAACTGT, results in the insertion of 3 amino acid(s) to the RPE65 protein (p.Ser24_Pro25insArgAsnCys), but otherwise preserves the integrity of the reading frame. Experimental studies and prediction algorithms are not available or were not evaluated, and the functional significance of this variant is currently unknown. In summary, the available evidence is currently insufficient to determine the role of this variant in disease. Therefore, it has been classified as a Variant of Uncertain Significance.

NM_000329.3(RPE65):c.72_73insAGGAACTGT (p.Ser24_Pro25insArgAsnCys)

Gene: RPE65 (retinoid isomerohydrolase RPE65; minus strand). Cytogenetic location: 1p31.3.
Variant type: Insertion.
Coding change: c.72_73insAGGAACTGT on transcript NM_000329.3 (MANE Select); coding-DNA positions 72 to 73, AGGAACTGT inserted.
Protein change: p.Ser24_Pro25insArgAsnCys.
Molecular consequence: inframe insertion.
Genome position: GRCh38 VCF-style: chr1-68448645-G-GACAGTTCCT. GRCh37 (hg19) VCF-style: chr1-68914328-G-GACAGTTCCT.
Identifiers: ClinVar variation 1408156 (VCV001408156.6), dbSNP rs2100834242, ClinGen allele CA2573132001.